The following is an entry in ClinVar:

ClinVar aggregate classification (germline): Pathogenic. Review status: reviewed by expert panel (3 of 4 stars). 3 submissions from 3 submitters: Pathogenic (1). 2 of the submissions do not count toward it. Last evaluated 2016-09-08.

Conditions:
Breast-ovarian cancer, familial, susceptibility to, 1 (BROVCA1). Also called: OVARIAN CANCER, SUSCEPTIBILITY TO; BRCA1 Hereditary Breast and Ovarian Cancer. Identifiers: Orphanet 145, MedGen C2676676, MONDO:0011450, OMIM 604370. Disease mechanism: loss of function.

Submissions (3):

Evidence-based Network for the Interpretation of Germline Mutant Alleles (ENIGMA)
Classification: Pathogenic for Breast-ovarian cancer, familial, susceptibility to, 1. Last evaluated: 2016-09-08. Review status: reviewed by expert panel. Criteria: ENIGMA BRCA1/2 Classification Criteria (2015). Collection method: curation. Allele origin: germline.
Comment: Variant allele predicted to encode a truncated non-functional protein.

BRCAlab, Lund University
Classification: Pathogenic for Breast-ovarian cancer, familial, susceptibility to, 1. Last evaluated: 2020-03-02. Review status: no assertion criteria provided. Collection method: clinical testing. Allele origin: germline. Affected: yes. Not counted in ClinVar's aggregate classification.

Breast Cancer Information Core (BIC) (BRCA1)
Classification: Pathogenic for Breast-ovarian cancer, familial 1. Last evaluated: 1999-12-30. Review status: no assertion criteria provided. Collection method: clinical testing. Allele origin: germline. Affected: yes. Observed: 1 variant allele. Not counted in ClinVar's aggregate classification.

NM_007294.4(BRCA1):c.2910del (p.Lys970fs)

Gene: BRCA1 (BRCA1 DNA repair associated; minus strand). Cytogenetic location: 17q21.31.
Variant type: Deletion.
Coding change: c.2910del on transcript NM_007294.4 (MANE Select); coding-DNA position 2910, one base deleted (A; older notation c.2910delA).
Protein change: p.Lys970fs; shifts the reading frame from lysine 970.
Molecular consequence: frameshift variant. On other transcripts: intron variant (137).
Genome position (GRCh38, 1-based): chr17:43,092,621, T deleted on the plus strand (A on the coding strand, the reverse complement: BRCA1 is on the minus strand); the first of 3 consecutive T bases (chr17:43,092,621-43,092,623); deleting any one gives the same sequence. VCF-style (leftmost placement, unchanged base first): chr17-43092620-GT-G. GRCh37 (hg19) VCF-style: chr17-41244637-GT-G.
Other names: 3029delA; c.2910delA (NM_007294.3); c.2697del, p.Lys899fs (NM_001407571.1, NM_001407853.1, NM_001407894.1 and 9 more transcripts); c.2910del, p.Lys970fs (NM_001407581.1, NM_001407582.1, NM_001407583.1 and 30 more transcripts); c.2907del, p.Lys969fs (NM_001407587.1, NM_001407590.1, NM_001407591.1 and 22 more transcripts); c.2901del, p.Lys967fs (NM_001407646.1, NM_001407647.1); c.2787del, p.Lys929fs (NM_001407648.1, NM_001407664.1, NM_001407665.1 and 19 more transcripts); c.2784del, p.Lys928fs (NM_001407649.1, NM_001407670.1, NM_001407671.1 and 11 more transcripts); and 43 more; short protein forms K923fs, K970fs, K944fs, K967fs, K843fs, K859fs, K881fs, K969fs.
Identifiers: ClinVar variation 54713 (VCV000054713.4), dbSNP rs80357893, ClinGen allele CA001896.